The following is an entry in ClinVar:

ClinVar aggregate classification (germline): Uncertain significance (1 of 4 stars; one submission).

gnomAD v4.1: 1 of 1,613,958 alleles (0.000062%); highest among the groups gnomAD compares: Non-Finnish European, 0.000085%; no homozygotes.

Submission:

GeneDx
Classification: Uncertain significance. Last evaluated: 2024-10-24. Review status: criteria provided, single submitter. Criteria: GeneDx Variant Classification Process June 2021. Collection method: clinical testing. Allele origin: germline. Affected: yes.
Comment: Not observed at significant frequency in large population cohorts (gnomAD); In silico analysis indicates that this missense variant does not alter protein structure/function; Has not been previously published as pathogenic or benign to our knowledge

NM_004100.5(EYA4):c.187G>A (p.Val63Ile)

Gene: EYA4 (EYA transcriptional coactivator and phosphatase 4; plus strand). Cytogenetic location: 6q23.2.
Variant type: single nucleotide variant.
Coding change: c.187G>A on transcript NM_004100.5 (MANE Select); coding-DNA position 187, G replaced by A.
Protein change: p.Val63Ile; replaces valine 63 with isoleucine.
Molecular consequence: missense variant.
Genome position (GRCh38, 1-based): chr6:133,446,733, G>A. VCF-style: chr6-133446733-G-A. GRCh37 (hg19) VCF-style: chr6-133767871-G-A.
Other names: c.187G>A, p.Val63Ile (NM_001301012.2, NM_001301013.2, NM_001370458.1 and 3 more transcripts); short protein forms V63I.
Identifiers: ClinVar variation 3893470 (VCV003893470.1).
Genomic context (GRCh38, chr6:133,446,733, plus strand): 5'-GGAGGTGGTGATACTCCAGGTAGCTCCAAACTGGAAAAATCTAATCTCAGCAGCACATCA[G>A]TTACTACAAATGGGACAGGAGGTAAGTGTACTACCCTGAAGATACCCAGAATCATATTTC-3'
Protein context (NP_004091.3, residues 53-73): LEKSNLSSTS[Val63Ile]TTNGTGGENM